The following is an entry in ClinVar:

ClinVar aggregate classification (germline): Likely benign (1 of 4 stars; one submission).

Conditions:
Dubin-Johnson syndrome (DJS). Also called: HYPERBILIRUBINEMIA, DUBIN-JOHNSON TYPE; Jaundice, Chronic Idiopathic; Hyperbilirubinemia type 2. Identifiers: Orphanet 234, MedGen C0022350, MONDO:0009380, OMIM 237500.

Allele frequency attached by ClinVar (database versions not stated): 1000 Genomes Project 0.00359; 1000 Genomes Project 30x 0.00359; gnomAD 0.00931; TOPMed 0.01139.
gnomAD v4.1: 4,446 of 367,284 alleles (1.2%); highest among the groups gnomAD compares: Non-Finnish European, 1.8%; 49 homozygotes.

Submission:

Illumina Laboratory Services, Illumina
Classification: Likely benign for Dubin-Johnson syndrome. Last evaluated: 2018-01-12. Review status: criteria provided, single submitter. Criteria: ICSL Variant Classification Criteria 13 December 2019. Collection method: clinical testing. Allele origin: germline.
Comment: This variant was observed in the ICSL laboratory as part of a predisposition screen in an ostensibly healthy population. It had not been previously curated by ICSL or reported in the Human Gene Mutation Database (HGMD: prior to June 1st, 2018), and was therefore a candidate for classification through an automated scoring system. Utilizing variant allele frequency, disease prevalence and penetrance estimates, and inheritance mode, an automated score was calculated to assess if this variant is too frequent to cause the disease. Based on the score and internal cut-off values, a variant classified as likely benign is not then subjected to further curation. The score for this variant resulted in a classification of likely benign for this disease.

NM_000392.5(ABCC2):c.*259G>T

Gene: ABCC2 (ATP binding cassette subfamily C member 2; plus strand). Cytogenetic location: 10q24.2.
Variant type: single nucleotide variant.
Coding change: c.*259G>T on transcript NM_000392.5 (MANE Select); 259 bases downstream of the stop codon, G replaced by T.
Molecular consequence: 3 prime UTR variant.
Genome position (GRCh38, 1-based): chr10:99,851,890, G>T. VCF-style: chr10-99851890-G-T. GRCh37 (hg19) VCF-style: chr10-101611647-G-T.
Other names: c.*259G>T (LRG_1208t1).
Identifiers: ClinVar variation 298483 (VCV000298483.5), dbSNP rs138578110, ClinGen allele CA10637199.